The following is an entry in ClinVar:

NM_000137.4(FAH):c.14del (p.Pro5fs)

Gene: FAH (fumarylacetoacetate hydrolase; plus strand). Cytogenetic location: 15q25.1.
Variant type: Deletion.
Coding change: c.14del on transcript NM_000137.4 (MANE Select); coding-DNA position 14, one base deleted (C; older notation c.14delC).
Protein change: p.Pro5fs; shifts the reading frame from proline 5.
Molecular consequence: frameshift variant.
Genome position (GRCh38, 1-based): chr15:80,153,068, C deleted; the last of 3 consecutive C bases (chr15:80,153,066-80,153,068); deleting any one gives the same sequence. VCF-style (leftmost placement, unchanged base first): chr15-80153065-TC-T. GRCh37 (hg19) VCF-style: chr15-80445407-TC-T.
Other names: c.14delC (NM_000137.2); c.14del, p.Pro5fs (NM_001374377.1, NM_001374380.1); short protein forms P5fs.
Identifiers: ClinVar variation 371526 (VCV000371526.7), dbSNP rs1057517341, ClinGen allele CA16041752.

ClinVar aggregate classification (germline): Pathogenic. Review status: criteria provided, single submitter (1 of 4 stars). 2 submissions from 2 submitters: Pathogenic (1). 1 of the submissions does not count toward it. Last evaluated 2023-12-01.

Conditions:
Tyrosinemia type I (TYRSN1). Also called: HEPATORENAL TYROSINEMIA; Tyrosinemia type 1; Fumarylacetoacetase deficiency; Deficiency of fumarylacetoacetase; FAH DEFICIENCY. Identifiers: Orphanet 882, MedGen C0268490, MONDO:0010161, OMIM 276700. Disease mechanism: loss of function.

Submissions (2):

Labcorp Genetics (formerly Invitae), Labcorp
Classification: Pathogenic for Tyrosinemia type I. Last evaluated: 2023-12-01. Review status: criteria provided, single submitter. Criteria: Invitae Variant Classification Sherloc (09022015). Collection method: clinical testing. Allele origin: germline.
Comment: This sequence change creates a premature translational stop signal (p.Pro5Argfs*28) in the FAH gene. It is expected to result in an absent or disrupted protein product. Loss-of-function variants in FAH are known to be pathogenic (PMID: 9101289, 9633815). This variant is not present in population databases (gnomAD no frequency). This variant has not been reported in the literature in individuals affected with FAH-related conditions. ClinVar contains an entry for this variant (Variation ID: 371526). For these reasons, this variant has been classified as Pathogenic.

Counsyl
Classification: Likely pathogenic for Tyrosinemia type I. Last evaluated: 2016-10-11. Review status: no assertion criteria provided. Collection method: clinical testing. Allele origin: unknown. Not counted in ClinVar's aggregate classification.

Literature cited by the submitters: PubMed 9101289 (cited by Labcorp Genetics (formerly Invitae), Labcorp); PubMed 9633815 (cited by Labcorp Genetics (formerly Invitae), Labcorp).